The following is an entry in ClinVar:

ClinVar aggregate classification (germline): Conflicting classifications of pathogenicity. Review status: criteria provided, conflicting classifications (1 of 4 stars). 2 submissions from 2 submitters: Pathogenic (1); Uncertain significance (1). Last evaluated 2024-12-12.

Conditions:
Intellectual developmental disorder, autosomal dominant 6, with or without seizures. Also called: GRIN2B-related developmental delay, intellectual disability and autism spectrum disorder; Intellectual disability, autosomal dominant 6. Identifiers: Orphanet 589547, MedGen C3151411, MONDO:0013509, OMIM 613970.
Developmental and epileptic encephalopathy, 27 (DEE27). Also called: GRIN2B-Related Neurodevelopmental Disorder; Epileptic encephalopathy, early infantile, 27. Identifiers: Orphanet 3451, MedGen C4015316, MONDO:0014505, OMIM 616139.

Submissions (2):

GeneDx
Classification: Pathogenic. Last evaluated: 2024-12-12. Review status: criteria provided, single submitter. Criteria: GeneDx Variant Classification Process June 2021. Collection method: clinical testing. Allele origin: germline. Affected: yes.
Comment: Not observed at significant frequency in large population cohorts (gnomAD); In silico analysis supports that this missense variant has a deleterious effect on protein structure/function; This variant is associated with the following publications: (PMID: 27839871, 37486637)

Labcorp Genetics (formerly Invitae), Labcorp
Classification: Uncertain significance for Developmental and epileptic encephalopathy, 27; Intellectual developmental disorder, autosomal dominant 6, with or without seizures. Last evaluated: 2021-11-23. Review status: criteria provided, single submitter. Criteria: Invitae Variant Classification Sherloc (09022015). Collection method: clinical testing. Allele origin: germline.
Comment: In summary, the available evidence is currently insufficient to determine the role of this variant in disease. Therefore, it has been classified as a Variant of Uncertain Significance. This sequence change replaces alanine, which is neutral and non-polar, with threonine, which is neutral and polar, at codon 644 of the GRIN2B protein (p.Ala644Thr). This variant is not present in population databases (gnomAD no frequency). This variant has not been reported in the literature in individuals affected with GRIN2B-related conditions. Advanced modeling of protein sequence and biophysical properties (such as structural, functional, and spatial information, amino acid conservation, physicochemical variation, residue mobility, and thermodynamic stability) performed at Invitae indicates that this missense variant is expected to disrupt GRIN2B protein function.

NM_000834.5(GRIN2B):c.1930G>A (p.Ala644Thr)

Gene: GRIN2B (glutamate ionotropic receptor NMDA type subunit 2B; minus strand). Cytogenetic location: 12p13.1.
Variant type: single nucleotide variant.
Coding change: c.1930G>A on transcript NM_000834.5 (MANE Select); coding-DNA position 1930, G replaced by A.
Protein change: p.Ala644Thr; replaces alanine 644 with threonine.
Molecular consequence: missense variant.
Genome position (GRCh38, 1-based): chr12:13,608,683, C>T on the plus strand (G>A on the coding strand, the complement: GRIN2B is on the minus strand). VCF-style: chr12-13608683-C-T. GRCh37 (hg19) VCF-style: chr12-13761617-C-T.
Other names: c.1930G>A (NM_000834.3); short protein forms A644T.
Identifiers: ClinVar variation 1394652 (VCV001394652.7), dbSNP rs2136470299, ClinGen allele CA384051016.